The following is an entry in ClinVar:

ClinVar aggregate classification (germline): Uncertain significance. Review status: criteria provided, multiple submitters, no conflicts (2 of 4 stars). 2 submissions from 2 submitters: Uncertain significance (2). Last evaluated 2025-10-22.

Conditions:
Hereditary cancer-predisposing syndrome. Also called: Neoplastic Syndromes, Hereditary; Hereditary Cancer Syndrome; Hereditary neoplastic syndrome; Tumor predisposition. Identifiers: Orphanet 140162, MedGen C0027672, MeSH D009386, MONDO:0015356.
Tuberous sclerosis 2 (TSC2). Identifiers: Orphanet 805, MedGen C1860707, MONDO:0013199, OMIM 613254.

Allele frequency attached by ClinVar (database versions not stated): gnomAD 0.00001; gnomAD exomes 0.00001; 1000 Genomes Project 30x 0.00016.
gnomAD v4.1: 8 of 1,599,304 alleles (0.0005%); highest among the groups gnomAD compares: East Asian, 0.018%; no homozygotes.

Submissions (2):

Labcorp Genetics (formerly Invitae), Labcorp
Classification: Uncertain significance for Tuberous sclerosis 2. Last evaluated: 2025-10-22. Review status: criteria provided, single submitter. Criteria: Invitae Variant Classification Sherloc (09022015). Collection method: clinical testing. Allele origin: germline.
Comment: This sequence change replaces arginine, which is basic and polar, with serine, which is neutral and polar, at codon 1477 of the TSC2 protein (p.Arg1477Ser). This variant is not present in population databases (gnomAD no frequency). This variant has not been reported in the literature in individuals affected with TSC2-related conditions. ClinVar contains an entry for this variant (Variation ID: 642802). Invitae Evidence Modeling of protein sequence and biophysical properties (such as structural, functional, and spatial information, amino acid conservation, physicochemical variation, residue mobility, and thermodynamic stability) indicates that this missense variant is not expected to disrupt TSC2 protein function with a negative predictive value of 95%. In summary, the available evidence is currently insufficient to determine the role of this variant in disease. Therefore, it has been classified as a Variant of Uncertain Significance.

Ambry Genetics
Classification: Uncertain significance for Hereditary cancer-predisposing syndrome. Last evaluated: 2024-04-30. Review status: criteria provided, single submitter. Criteria: Ambry Variant Classification Scheme 2023. Collection method: clinical testing. Allele origin: germline.
Comment: The p.R1477S variant (also known as c.4431G>C), located in coding exon 33 of the TSC2 gene, results from a G to C substitution at nucleotide position 4431. The arginine at codon 1477 is replaced by serine, an amino acid with dissimilar properties. This amino acid position is well conserved in available vertebrate species. In addition, this alteration is predicted to be deleterious by in silico analysis. Based on the available evidence, the clinical significance of this variant remains unclear.

NM_000548.5(TSC2):c.4431G>C (p.Arg1477Ser)

Gene: TSC2 (TSC complex subunit 2; plus strand). Cytogenetic location: 16p13.3.
Variant type: single nucleotide variant.
Coding change: c.4431G>C on transcript NM_000548.5 (MANE Select); coding-DNA position 4431, G replaced by C.
Protein change: p.Arg1477Ser; replaces arginine 1477 with serine.
Molecular consequence: missense variant.
Genome position (GRCh38, 1-based): chr16:2,084,653, G>C. VCF-style: chr16-2084653-G-C. GRCh37 (hg19) VCF-style: chr16-2134654-G-C.
Other names: c.4233G>C, p.Arg1411Ser (NM_001363528.2); c.4299G>C, p.Arg1433Ser (NM_001370404.1); c.4302G>C, p.Arg1434Ser (NM_001370405.1, NM_021055.3); c.4230G>C, p.Arg1410Ser (NM_001077183.3); c.4362G>C, p.Arg1454Ser (NM_001114382.3); c.4122G>C, p.Arg1374Ser (NM_001318827.2); c.4086G>C, p.Arg1362Ser (NM_001318829.2); c.3699G>C, p.Arg1233Ser (NM_001318831.2); and 1 more; short protein forms R1411S, R1434S, R1233S, R1433S, R1374S, R1410S, R1362S, R1421S.
Identifiers: ClinVar variation 642802 (VCV000642802.10), dbSNP rs76934857, ClinGen allele CA276753515.